The following is an entry in ClinVar:

NM_004168.4(SDHA):c.1664-4C>G

Gene: SDHA (succinate dehydrogenase complex flavoprotein subunit A; plus strand). Cytogenetic location: 5p15.33.
Variant type: single nucleotide variant.
Coding change: c.1664-4C>G on transcript NM_004168.4 (MANE Select); 4 bases into the intron before coding-DNA position 1664, C replaced by G.
Molecular consequence: intron variant.
Genome position (GRCh38, 1-based): chr5:251,334, C>G. VCF-style: chr5-251334-C-G. GRCh37 (hg19) VCF-style: chr5-251449-C-G.
Other names: c.1552-3059C>G (NM_001330758.2); c.1520-4C>G (NM_001294332.2).
Identifiers: ClinVar variation 472348 (VCV000472348.18), dbSNP rs774876028, ClinGen allele CA658657412.

ClinVar aggregate classification (germline): Conflicting classifications of pathogenicity. Review status: criteria provided, conflicting classifications (1 of 4 stars). 4 submissions from 4 submitters: Uncertain significance (1); Likely benign (2). 1 of the submissions does not count toward it. Last evaluated 2025-12-30.

Conditions:
Mitochondrial complex II deficiency, nuclear type 1. Also called: SUCCINATE CoQ REDUCTASE DEFICIENCY. Identifiers: Orphanet 3208, MedGen C5700310, MONDO:0100294, OMIM 252011.
Pheochromocytoma/paraganglioma syndrome 5. Also called: Paragangliomas 5; SDHA-Related Hereditary Paraganglioma-Pheochromocytoma Syndrome. Identifiers: Orphanet 29072, MedGen C3279992, MONDO:0013602, OMIM 614165.
Hereditary cancer-predisposing syndrome. Also called: Neoplastic Syndromes, Hereditary; Hereditary Cancer Syndrome; Hereditary neoplastic syndrome; Tumor predisposition. Identifiers: Orphanet 140162, MedGen C0027672, MeSH D009386, MONDO:0015356.
SDHA-related disorder. Also called: SDHA-related condition; SDHA-related disorders.

gnomAD v4.1: 6 of 1,612,594 alleles (0.00037%); highest among the groups gnomAD compares: Non-Finnish European, 0.00051%; no homozygotes.

Submissions (4):

Labcorp Genetics (formerly Invitae), Labcorp
Classification: Likely benign for Pheochromocytoma/paraganglioma syndrome 5; Mitochondrial complex II deficiency, nuclear type 1. Last evaluated: 2025-12-30. Review status: criteria provided, single submitter. Criteria: Invitae Variant Classification Sherloc (09022015). Collection method: clinical testing. Allele origin: germline.

Ambry Genetics
Classification: Likely benign for Hereditary cancer-predisposing syndrome. Last evaluated: 2025-12-04. Review status: criteria provided, single submitter. Criteria: Ambry Variant Classification Scheme 2023. Collection method: clinical testing. Allele origin: germline.

Quest Diagnostics Nichols Institute San Juan Capistrano
Classification: Uncertain significance. Last evaluated: 2023-11-01. Review status: criteria provided, single submitter. Criteria: Quest Diagnostics criteria. Collection method: clinical testing. Allele origin: unknown.
Comment: The SDHA c.1664-4C>G variant has not been reported in individuals with SDHA-related conditions in the published literature. The frequency of this variant in the general population, 0.0000041 (1/244850 chromosomes (Genome Aggregation Database)), is uninformative in the assessment of its pathogenicity. Analysis of this variant using software algorithms for the prediction of the effect of nucleotide changes on splicing yielded predictions that this variant does not affect SDHA mRNA splicing. Based on the available information, we are unable to determine the clinical significance of this variant.

PreventionGenetics, part of Exact Sciences
Classification: Likely benign for SDHA-related condition. Last evaluated: 2023-01-30. Review status: no assertion criteria provided. Collection method: clinical testing. Allele origin: germline. Not counted in ClinVar's aggregate classification.
Comment: This variant is classified as likely benign based on ACMG/AMP sequence variant interpretation guidelines (Richards et al. 2015 PMID: 25741868, with internal and published modifications).